The following is an entry in ClinVar:

ClinVar aggregate classification (germline): Benign/Likely benign. Review status: criteria provided, multiple submitters, no conflicts (2 of 4 stars). 4 submissions from 4 submitters: Benign (1); Likely benign (2). 1 of the submissions does not count toward it. Last evaluated 2025-12-28.

Conditions:
KMT2D-related disorder. Also called: KMT2D-Related Disorders.
Kabuki syndrome. Also called: NIIKAWA-KUROKI SYNDROME; Kabuki make-up syndrome. Identifiers: Orphanet 2322, MedGen C0796004, MONDO:0016512.

Allele frequency attached by ClinVar (database versions not stated): TOPMed 0.00010.
gnomAD v4.1: 77 of 1,459,164 alleles (0.0053%); highest among the groups gnomAD compares: Admixed American, 0.13%; 1 homozygote.

Submissions (4):

Labcorp Genetics (formerly Invitae), Labcorp
Classification: Likely benign for Kabuki syndrome. Last evaluated: 2025-12-28. Review status: criteria provided, single submitter. Criteria: Invitae Variant Classification Sherloc (09022015). Collection method: clinical testing. Allele origin: germline.

Blueprint Genetics
Classification: Likely benign. Last evaluated: 2021-05-04. Review status: criteria provided, single submitter. Criteria: ACMG Guidelines, 2015. Collection method: clinical testing. Allele origin: germline.

GeneDx
Classification: Benign. Last evaluated: 2020-11-02. Review status: criteria provided, single submitter. Criteria: GeneDx Variant Classification Process June 2021. Collection method: clinical testing. Allele origin: germline. Affected: yes.

PreventionGenetics, part of Exact Sciences
Classification: Likely benign for KMT2D-related condition. Last evaluated: 2021-05-17. Review status: no assertion criteria provided. Collection method: clinical testing. Allele origin: germline. Not counted in ClinVar's aggregate classification.
Comment: This variant is classified as likely benign based on ACMG/AMP sequence variant interpretation guidelines (Richards et al. 2015 PMID: 25741868, with internal and published modifications).

NM_003482.4(KMT2D):c.1961C>A (p.Ser654Tyr)

Gene: KMT2D (lysine methyltransferase 2D; minus strand). Cytogenetic location: 12q13.12.
Variant type: single nucleotide variant.
Coding change: c.1961C>A on transcript NM_003482.4 (MANE Select); coding-DNA position 1961, C replaced by A.
Protein change: p.Ser654Tyr; replaces serine 654 with tyrosine.
Molecular consequence: missense variant.
Genome position (GRCh38, 1-based): chr12:49,051,722, G>T on the plus strand (C>A on the coding strand, the complement: KMT2D is on the minus strand). VCF-style: chr12-49051722-G-T. GRCh37 (hg19) VCF-style: chr12-49445505-G-T.
Other names: short protein forms S654Y.
Identifiers: ClinVar variation 1160129 (VCV001160129.14), dbSNP rs747101567, ClinGen allele CA6548382.